The following is an entry in ClinVar:

NM_014727.3(KMT2B):c.2870A>C (p.His957Pro)

Gene: KMT2B (lysine methyltransferase 2B; plus strand). Cytogenetic location: 19q13.12.
Variant type: single nucleotide variant.
Coding change: c.2870A>C on transcript NM_014727.3 (MANE Select); coding-DNA position 2870, A replaced by C.
Protein change: p.His957Pro; replaces histidine 957 with proline.
Molecular consequence: missense variant.
Genome position (GRCh38, 1-based): chr19:35,723,142, A>C. VCF-style: chr19-35723142-A-C. GRCh37 (hg19) VCF-style: chr19-36214044-A-C.
Other names: short protein forms H957P.
Identifiers: ClinVar variation 3719635 (VCV003719635.2).

ClinVar aggregate classification (germline): Uncertain significance (1 of 4 stars; one submission).

Submission:

Labcorp Genetics (formerly Invitae), Labcorp
Classification: Uncertain significance. Last evaluated: 2024-09-27. Review status: criteria provided, single submitter. Criteria: Invitae Variant Classification Sherloc (09022015). Collection method: clinical testing. Allele origin: germline.
Comment: This sequence change replaces histidine, which is basic and polar, with proline, which is neutral and non-polar, at codon 957 of the KMT2B protein (p.His957Pro). This variant is not present in population databases (gnomAD no frequency). This variant has not been reported in the literature in individuals affected with KMT2B-related conditions. Invitae Evidence Modeling of protein sequence and biophysical properties (such as structural, functional, and spatial information, amino acid conservation, physicochemical variation, residue mobility, and thermodynamic stability) indicates that this missense variant is not expected to disrupt KMT2B protein function with a negative predictive value of 95%. In summary, the available evidence is currently insufficient to determine the role of this variant in disease. Therefore, it has been classified as a Variant of Uncertain Significance.